The following is an entry in ClinVar:

NM_014712.3(SETD1A):c.1798C>A (p.Pro600Thr)

Gene: SETD1A (SET domain containing 1A, histone lysine methyltransferase; plus strand). Cytogenetic location: 16p11.2.
Variant type: single nucleotide variant.
Coding change: c.1798C>A on transcript NM_014712.3 (MANE Select); coding-DNA position 1798, C replaced by A.
Protein change: p.Pro600Thr; replaces proline 600 with threonine.
Molecular consequence: missense variant.
Genome position (GRCh38, 1-based): chr16:30,965,679, C>A. VCF-style: chr16-30965679-C-A. GRCh37 (hg19) VCF-style: chr16-30977000-C-A.
Other names: short protein forms P600T.
Identifiers: ClinVar variation 4531605 (VCV004531605.1).

ClinVar aggregate classification (germline): Uncertain significance (1 of 4 stars; one submission).

Conditions:
Neurodevelopmental disorder with speech impairment and dysmorphic facies. Identifiers: MedGen C5436699, MONDO:0033630, OMIM 619056.

Submission:

Victorian Clinical Genetics Services, Murdoch Childrens Research Institute
Classification: Uncertain significance for Neurodevelopmental disorder with speech impairment and dysmorphic facies. Last evaluated: 2024-10-15. Review status: criteria provided, single submitter. Criteria: ACMG Guidelines, 2015. Collection method: clinical testing. Allele origin: germline. Affected: yes.
Comment: This variant is classified as VUS-3B. Evidence in support of pathogenic classification: Variant is absent from gnomAD (v2, v3 and v4). Additional information: Variant is predicted to result in a missense amino acid change from proline to threonine; This variant is heterozygous; This gene is associated with autosomal dominant disease; Multiple alternative amino acid changes at the same position have been observed in gnomAD (v4: 2 heterozygote(s), 0 homozygote(s)); This variant has no previous evidence of pathogenicity; No published segregation evidence has been identified for this variant; No published functional evidence has been identified for this variant; No comparable missense variants have previous evidence for pathogenicity; Variant is not located in an established domain, motif, hotspot or informative constraint region; Missense variant with an inconclusive in silico prediction and high conservation; Loss of function is a known mechanism of disease in this gene and is associated with neurodevelopmental disorder with speech impairment and dysmorphic facies (MIM#619056), whereas the mechanism for early onset epilepsy with or without developmental delay (MIM#618832) is not well established (PMIDs: 31197650, 32346159); Parental origin of the variant is unresolved.

Literature cited by the submitters: PubMed 32346159; PubMed 31197650.